The following is an entry in ClinVar:

NM_000722.4(CACNA2D1):c.1736G>A (p.Arg579Lys)

Gene: CACNA2D1 (calcium voltage-gated channel auxiliary subunit alpha2delta 1; minus strand). Cytogenetic location: 7q21.11.
Variant type: single nucleotide variant.
Coding change: c.1736G>A on transcript NM_000722.4 (MANE Select); coding-DNA position 1736, G replaced by A.
Protein change: p.Arg579Lys; replaces arginine 579 with lysine.
Molecular consequence: missense variant.
Genome position (GRCh38, 1-based): chr7:81,991,245, C>T on the plus strand (G>A on the coding strand, the complement: CACNA2D1 is on the minus strand). VCF-style: chr7-81991245-C-T. GRCh37 (hg19) VCF-style: chr7-81620561-C-T.
Other names: c.1793G>A, p.Arg598Lys (NM_001366867.1); c.1736G>A (NM_000722.2); short protein forms R579K, R598K.
Identifiers: ClinVar variation 1004392 (VCV001004392.10), dbSNP rs1021370066, ClinGen allele CA161120841.
Genomic context (GRCh38, chr7:81,991,245, plus strand): 5'-CTGTAATCTGTGCCATTGACAGGTGTCCATGTGTATGTCCTGTTTCCTTTGTCAATATAT[C>T]TCTAGAAAGAAGTTTAACGTGGTTATTATCACTTTACATTTTGTATGAATATATACGAAA-3'
Protein context (NP_000713.2, residues 569-589): FRTLVKSQDE[Arg579Lys]YIDKGNRTYT

ClinVar aggregate classification (germline): Uncertain significance. Review status: criteria provided, multiple submitters, no conflicts (2 of 4 stars). 2 submissions from 2 submitters: Uncertain significance (2). Last evaluated 2025-03-27.

Conditions:
Cardiovascular phenotype. Identifiers: MedGen CN230736.
Brugada syndrome. Also called: Sudden unexpected nocturnal death syndrome; Sudden unexplained nocturnal death syndrome; Sudden Unexplained Death Syndrome; Sudden Unexplained Nocturnal Death Syndrome (SUNDS). Identifiers: Orphanet 130, MedGen C1142166, MONDO:0015263.

Allele frequency attached by ClinVar (database versions not stated): gnomAD exomes below 0.00001 and 0.00001; gnomAD 0.00003 and 0.00004; TOPMed 0.00003.
gnomAD v4.1: 14 of 1,484,208 alleles (0.00094%); highest among the groups gnomAD compares: Non-Finnish European, 0.0012%; no homozygotes.

Submissions (2):

Ambry Genetics
Classification: Uncertain significance for Cardiovascular phenotype. Last evaluated: 2025-03-27. Review status: criteria provided, single submitter. Criteria: Ambry Variant Classification Scheme 2023. Collection method: clinical testing. Allele origin: germline.

Labcorp Genetics (formerly Invitae), Labcorp
Classification: Uncertain significance for Brugada syndrome. Last evaluated: 2025-02-03. Review status: criteria provided, single submitter. Criteria: Invitae Variant Classification Sherloc (09022015). Collection method: clinical testing. Allele origin: germline.
Comment: This sequence change replaces arginine, which is basic and polar, with lysine, which is basic and polar, at codon 579 of the CACNA2D1 protein (p.Arg579Lys). This variant is present in population databases (no rsID available, gnomAD 0.002%). This variant has not been reported in the literature in individuals affected with CACNA2D1-related conditions. ClinVar contains an entry for this variant (Variation ID: 1004392). An algorithm developed to predict the effect of missense changes on protein structure and function (PolyPhen-2) suggests that this variant is likely to be disruptive. In summary, the available evidence is currently insufficient to determine the role of this variant in disease. Therefore, it has been classified as a Variant of Uncertain Significance.